The following is an entry in ClinVar:

NM_000094.4(COL7A1):c.3001G>A (p.Gly1001Arg)

Gene: COL7A1 (collagen type VII alpha 1 chain; minus strand). Cytogenetic location: 3p21.31.
Variant type: single nucleotide variant.
Coding change: c.3001G>A on transcript NM_000094.4 (MANE Select); coding-DNA position 3001, G replaced by A.
Protein change: p.Gly1001Arg; replaces glycine 1001 with arginine.
Molecular consequence: missense variant.
Genome position (GRCh38, 1-based): chr3:48,587,328, C>T on the plus strand (G>A on the coding strand, the complement: COL7A1 is on the minus strand). VCF-style: chr3-48587328-C-T. GRCh37 (hg19) VCF-style: chr3-48624761-C-T.
Other names: short protein forms G1001R.
Identifiers: ClinVar variation 2094599 (VCV002094599.1), dbSNP rs1480085319, ClinGen allele CA352713483.

ClinVar aggregate classification (germline): Uncertain significance (1 of 4 stars; one submission).

gnomAD v4.1: 1 of 1,603,032 alleles (0.000062%); highest among the groups gnomAD compares: Non-Finnish European, 0.000085%; no homozygotes.

Submission:

Labcorp Genetics (formerly Invitae), Labcorp
Classification: Uncertain significance. Last evaluated: 2022-02-08. Review status: criteria provided, single submitter. Criteria: Invitae Variant Classification Sherloc (09022015). Collection method: clinical testing. Allele origin: germline.
Comment: This sequence change replaces glycine, which is neutral and non-polar, with arginine, which is basic and polar, at codon 1001 of the COL7A1 protein (p.Gly1001Arg). This variant is not present in population databases (gnomAD no frequency). This variant has not been reported in the literature in individuals affected with COL7A1-related conditions. Advanced modeling of protein sequence and biophysical properties (such as structural, functional, and spatial information, amino acid conservation, physicochemical variation, residue mobility, and thermodynamic stability) performed at Invitae indicates that this missense variant is not expected to disrupt COL7A1 protein function. In summary, the available evidence is currently insufficient to determine the role of this variant in disease. Therefore, it has been classified as a Variant of Uncertain Significance.